The following is an entry in ClinVar:

NM_001134407.3(GRIN2A):c.3475C>T (p.Arg1159Cys)

Gene: GRIN2A (glutamate ionotropic receptor NMDA type subunit 2A; minus strand). Cytogenetic location: 16p13.2.
Variant type: single nucleotide variant.
Coding change: c.3475C>T on transcript NM_001134407.3 (MANE Select); coding-DNA position 3475, C replaced by T.
Protein change: p.Arg1159Cys; replaces arginine 1159 with cysteine.
Molecular consequence: missense variant.
Genome position (GRCh38, 1-based): chr16:9,764,069, G>A on the plus strand (C>T on the coding strand, the complement: GRIN2A is on the minus strand). VCF-style: chr16-9764069-G-A. GRCh37 (hg19) VCF-style: chr16-9857926-G-A.
Other names: c.3475C>T, p.Arg1159Cys (NM_000833.5, NM_001134408.2); short protein forms R1159C.
Identifiers: ClinVar variation 2167920 (VCV002167920.4), dbSNP rs1900741749, ClinGen allele CA394707619.

ClinVar aggregate classification (germline): Uncertain significance (1 of 4 stars; one submission).

Conditions:
Landau-Kleffner syndrome (FESD). Also called: EPILEPSY, FOCAL, WITH SPEECH DISORDER AND WITH OR WITHOUT MENTAL RETARDATION; APHASIA, ACQUIRED, WITH EPILEPSY. Identifiers: Orphanet 1945, Orphanet 725, Orphanet 98818, MedGen C0282512, MONDO:0009509, OMIM 245570.

Allele frequency attached by ClinVar (database versions not stated): gnomAD exomes below 0.00001; TOPMed below 0.00001.
gnomAD v4.1: 2 of 1,613,622 alleles (0.00012%); highest among the groups gnomAD compares: Admixed American, 0.0017%; no homozygotes.

Submission:

Labcorp Genetics (formerly Invitae), Labcorp
Classification: Uncertain significance for Landau-Kleffner syndrome. Last evaluated: 2026-01-12. Review status: criteria provided, single submitter. Criteria: Invitae Variant Classification Sherloc (09022015). Collection method: clinical testing. Allele origin: germline.
Comment: This sequence change replaces arginine, which is basic and polar, with cysteine, which is neutral and slightly polar, at codon 1159 of the GRIN2A protein (p.Arg1159Cys). This variant is not present in population databases (gnomAD no frequency). This variant has not been reported in the literature in individuals affected with GRIN2A-related conditions. ClinVar contains an entry for this variant (Variation ID: 2167920). Invitae Evidence Modeling of protein sequence and biophysical properties (such as structural, functional, and spatial information, amino acid conservation, physicochemical variation, residue mobility, and thermodynamic stability) indicates that this missense variant is not expected to disrupt GRIN2A protein function with a negative predictive value of 95%. In summary, the available evidence is currently insufficient to determine the role of this variant in disease. Therefore, it has been classified as a Variant of Uncertain Significance.